The following is an entry in ClinVar:

NM_018486.3(HDAC8):c.1126G>A (p.Val376Met)

Gene: HDAC8 (histone deacetylase 8; minus strand). Cytogenetic location: Xq13.1.
Variant type: single nucleotide variant.
Coding change: c.1126G>A on transcript NM_018486.3 (MANE Select); coding-DNA position 1126, G replaced by A.
Protein change: p.Val376Met; replaces valine 376 with methionine.
Molecular consequence: missense variant. On other transcripts: non-coding transcript variant (1).
Genome position (GRCh38, 1-based): chrX:72,330,062, C>T on the plus strand (G>A on the coding strand, the complement: HDAC8 is on the minus strand). VCF-style: chrX-72330062-C-T. GRCh37 (hg19) VCF-style: chrX-71549912-C-T.
Other names: c.1048G>A, p.Val350Met (NM_001410727.1); c.931G>A, p.Val311Met (NM_001410728.1); c.1126G>A (NM_018486.2); c.853G>A, p.Val285Met (NM_001166418.2); c.1204G>A, p.Val402Met (NM_001410725.1); short protein forms V285M, V350M, V376M, V402M, V311M.
Identifiers: ClinVar variation 2142066 (VCV002142066.6), dbSNP rs1419641723, ClinGen allele CA413638274.

ClinVar aggregate classification (germline): Uncertain significance. Review status: criteria provided, multiple submitters, no conflicts (2 of 4 stars). 2 submissions from 2 submitters: Uncertain significance (2). Last evaluated 2023-10-03.

Conditions:
Inborn genetic diseases. Identifiers: MedGen C0950123, MeSH D030342.
Cornelia de Lange syndrome 5 (CDLS5). Also called: HDAC8-Related Cornelia de Lange Syndrome. Identifiers: Orphanet 199, MedGen C3550903, MONDO:0010471, OMIM 300882.

Allele frequency attached by ClinVar (database versions not stated): gnomAD exomes below 0.00001; TOPMed 0.00001; gnomAD 0.00003.
gnomAD v4.1: 5 of 1,206,895 alleles (0.00041%); highest among the groups gnomAD compares: Non-Finnish European, 0.00056%; no homozygotes.

Submissions (2):

Labcorp Genetics (formerly Invitae), Labcorp
Classification: Uncertain significance for Cornelia de Lange syndrome 5. Last evaluated: 2023-10-03. Review status: criteria provided, single submitter. Criteria: Invitae Variant Classification Sherloc (09022015). Collection method: clinical testing. Allele origin: germline.
Comment: This sequence change replaces valine, which is neutral and non-polar, with methionine, which is neutral and non-polar, at codon 376 of the HDAC8 protein (p.Val376Met). This variant is present in population databases (no rsID available, gnomAD 0.009%). This variant has not been reported in the literature in individuals affected with HDAC8-related conditions. ClinVar contains an entry for this variant (Variation ID: 2142066). Advanced modeling of protein sequence and biophysical properties (such as structural, functional, and spatial information, amino acid conservation, physicochemical variation, residue mobility, and thermodynamic stability) performed at Invitae indicates that this missense variant is not expected to disrupt HDAC8 protein function. In summary, the available evidence is currently insufficient to determine the role of this variant in disease. Therefore, it has been classified as a Variant of Uncertain Significance.

Ambry Genetics
Classification: Uncertain significance for Inborn genetic diseases. Last evaluated: 2023-08-05. Review status: criteria provided, single submitter. Criteria: Ambry Variant Classification Scheme 2023. Collection method: clinical testing. Allele origin: germline.